The following is an entry in ClinVar:

ClinVar aggregate classification (germline): Conflicting classifications of pathogenicity. Review status: criteria provided, conflicting classifications (1 of 4 stars). 2 submissions from 2 submitters: Likely pathogenic (1); Uncertain significance (1). Last evaluated 2026-04-27.

Conditions:
Cardiovascular phenotype. Identifiers: MedGen CN230736.
Catecholaminergic polymorphic ventricular tachycardia 5 (CARDAR). Also called: Ventricular tachycardia, catecholaminergic polymorphic, 5, with or without muscle weakness; CARDIAC ARRHYTHMIA SYNDROME, WITH OR WITHOUT SKELETAL MUSCLE WEAKNESS. Identifiers: Orphanet 3286, MedGen C3809536, MONDO:0014191, OMIM 615441.

Submissions (2):

Ambry Genetics
Classification: Uncertain significance for Cardiovascular phenotype. Last evaluated: 2026-04-27. Review status: criteria provided, single submitter. Criteria: Ambry Variant Classification Scheme 2023. Collection method: clinical testing. Allele origin: germline.
Comment: The c.1050delA variant, located in coding exon 12 of the TRDN gene, results from a deletion of one nucleotide at nucleotide position 1050, causing a translational frameshift with a predicted alternate stop codon (p.E351Sfs*13). This alteration is expected to result in loss of function by premature protein truncation or nonsense-mediated mRNA decay. However, this variant does not impact the predominant cardiac isoform of TRDN (NM_001256021.1; Kobayashi YM et al. J. Biol. Chem., 1999 Oct;274:28660-8). Since supporting evidence is limited at this time, the clinical significance of this alteration remains unclear.

Revvity Omics, Revvity
Classification: Likely pathogenic for Catecholaminergic polymorphic ventricular tachycardia 5. Last evaluated: 2021-09-09. Review status: criteria provided, single submitter. Criteria: ACMG Guidelines, 2015. Collection method: clinical testing. Allele origin: germline.

NM_006073.4(TRDN):c.1050del (p.Glu351fs)

Gene: TRDN (triadin; minus strand). Cytogenetic location: 6q22.31.
Variant type: Deletion.
Coding change: c.1050del on transcript NM_006073.4 (MANE Select); coding-DNA position 1050, one base deleted (A; older notation c.1050delA).
Protein change: p.Glu351fs; shifts the reading frame from glutamic acid 351.
Molecular consequence: frameshift variant.
Genome position (GRCh38, 1-based): chr6:123,438,064, T deleted on the plus strand (A on the coding strand, the reverse complement: TRDN is on the minus strand); the first of 8 consecutive T bases (chr6:123,438,064-123,438,071); deleting any one gives the same sequence. VCF-style (leftmost placement, unchanged base first): chr6-123438063-CT-C. GRCh37 (hg19) VCF-style: chr6-123759208-CT-C.
Other names: c.1053del, p.Glu352fs (NM_001251987.2); c.1050delA (NM_006073.2); short protein forms E351fs, E352fs.
Identifiers: ClinVar variation 1325231 (VCV001325231.5), dbSNP rs753514580, ClinGen allele CA3984169.
Genomic context (GRCh38, chr6:123,438,063, plus strand): 5'-CTTTCATGAAGCAAACATCCTGAACGTAATCCATCTAAGGAAACAAAGAAAGTGCAATAC[CT>C]TTTTTTTCCACATCAATGGCAGTTTCCTTCTCACTTTTCTTTTTGATATCTTCTTTTTCT-3'